The following is an entry in ClinVar:

ClinVar aggregate classification (germline): Uncertain significance (1 of 4 stars; one submission).

Allele frequency attached by ClinVar (database versions not stated): gnomAD exomes below 0.00001; ExAC 0.00002.
gnomAD v4.1: 7 of 1,614,226 alleles (0.00043%); highest among the groups gnomAD compares: African/African-American, 0.0027%; no homozygotes.

Submission:

Ambry Genetics
Classification: Uncertain significance. Last evaluated: 2022-03-07. Review status: criteria provided, single submitter. Criteria: Ambry Variant Classification Scheme 2023. Collection method: clinical testing. Allele origin: germline.
Comment: The p.P574R variant (also known as c.1721C>G), located in coding exon 3 of the ALPK2 gene, results from a C to G substitution at nucleotide position 1721. The proline at codon 574 is replaced by arginine, an amino acid with dissimilar properties. This amino acid position is conserved. In addition, this alteration is predicted to be tolerated by in silico analysis. Since supporting evidence is limited at this time, the clinical significance of this alteration remains unclear.

NM_052947.4(ALPK2):c.1721C>G (p.Pro574Arg)

Gene: ALPK2 (alpha kinase 2; minus strand). Cytogenetic location: 18q21.31.
Variant type: single nucleotide variant.
Coding change: c.1721C>G on transcript NM_052947.4 (MANE Select); coding-DNA position 1721, C replaced by G.
Protein change: p.Pro574Arg; replaces proline 574 with arginine.
Molecular consequence: missense variant.
Genome position (GRCh38, 1-based): chr18:58,579,055, G>C on the plus strand (C>G on the coding strand, the complement: ALPK2 is on the minus strand). VCF-style: chr18-58579055-G-C. GRCh37 (hg19) VCF-style: chr18-56246287-G-C.
Other names: short protein forms P574R.
Identifiers: ClinVar variation 1778768 (VCV001778768.2), dbSNP rs766525021, ClinGen allele CA8977198.
Genomic context (GRCh38, chr18:58,579,055, plus strand): 5'-CTCCGACCAGTCGCTGCTGCTGTGGTGTGAGAAGTCTCTCTTTTATCACTCTGGGTTAGT[G>C]GGGGCTCAGCAGATTCTTTGGCAGAGCAGAGATGAAGGGTACCTTCTGTTGTACTTTCTC-3'
Protein context (NP_443179.3, residues 564-584): LCSAKESAEP[Pro574Arg]LTQSDKRETS